The following is an entry in ClinVar:

NM_000038.6(APC):c.469_470del (p.Trp157fs)

Gene: APC (APC regulator of Wnt signaling pathway; plus strand). Cytogenetic location: 5q22.2.
Variant type: Deletion.
Coding change: c.469_470del on transcript NM_000038.6 (MANE Select); coding-DNA positions 469 to 470, 2 bases deleted (TG; older notation c.469_470delTG).
Protein change: p.Trp157fs; shifts the reading frame from tryptophan 157.
Molecular consequence: frameshift variant. On other transcripts: 5 prime UTR variant (4), non-coding transcript variant (2).
Genome position (GRCh38, 1-based): chr5:112,775,675-112,775,676, TG deleted. VCF-style (leftmost placement, unchanged base first): chr5-112775674-CTG-C. GRCh37 (hg19) VCF-style: chr5-112111371-CTG-C.
Other names: c.469_470del, p.Trp157fs (NM_001127510.3, NM_001354895.2, NM_001354896.2 and 16 more transcripts); c.499_500del, p.Trp167fs (NM_001127511.3, NM_001354897.2, NM_001354902.2 and 1 more transcripts); c.394_395del, p.Trp132fs (NM_001354898.2, NM_001354904.2, NM_001407451.1); c.292_293del, p.Trp98fs (NM_001354900.2, NM_001354901.2, NM_001354905.2 and 1 more transcripts); c.-567_-566del (NM_001354906.2, NM_001407470.1, NM_001407471.1 and 1 more transcripts); short protein forms W132fs, W157fs, W167fs, W98fs.
Identifiers: ClinVar variation 2583920 (VCV002583920.1), dbSNP rs2532413268, ClinGen allele CA2581463393.
Genomic context (GRCh38, chr5:112,775,674, plus strand): 5'-AAAAAAAAAAAATAGGTCATTGCTTCTTGCTGATCTTGACAAAGAAGAAAAGGAAAAAGA[CTG>C]GTATTACGCTCAACTTCAGAATCTCACTAAAAGAATAGATAGTCTTCCTTTAACTGAAAA-3'

ClinVar aggregate classification (germline): Pathogenic (1 of 4 stars; one submission).

Conditions:
Familial adenomatous polyposis 1 (FAP1). Also called: FAMILIAL ADENOMATOUS POLYPOSIS 1, ATTENUATED; POLYPOSIS, ADENOMATOUS INTESTINAL. Identifiers: MedGen C2713442, MONDO:0021056, OMIM 175100. Disease mechanism: loss of function.

Submission:

Myriad Genetics, Inc.
Classification: Pathogenic for Familial adenomatous polyposis 1. Last evaluated: 2023-04-26. Review status: criteria provided, single submitter. Criteria: Myriad Autosomal Dominant, Autosomal Recessive and X-Linked Classification Criteria (2023). Collection method: clinical testing. Allele origin: unknown.
Comment: This variant is considered pathogenic. This variant creates a frameshift predicted to result in premature protein truncation.